The following is an entry in ClinVar:

ClinVar aggregate classification (germline): Pathogenic. Review status: criteria provided, multiple submitters, no conflicts (2 of 4 stars). 5 submissions from 5 submitters: Pathogenic (3). 2 of the submissions do not count toward it. Last evaluated 2024-07-24.

Conditions:
CHM-related disorder. Also called: CHM-related condition.
CHM-related disorders.
Choroideremia. Also called: Chorioretinal scalloped atrophy. Identifiers: Orphanet 180, MedGen C0008525, MONDO:0010557, OMIM 303100, HP:0001139.

Submissions (5):

Blueprint Genetics
Classification: Pathogenic for CHM-related disorders. Last evaluated: 2024-07-24. Review status: criteria provided, single submitter. Criteria: ACMG Guidelines, 2015. Collection method: clinical testing. Allele origin: germline. Affected: yes. Observed: 5 variant alleles.

GeneDx
Classification: Pathogenic. Last evaluated: 2024-02-08. Review status: criteria provided, single submitter. Criteria: GeneDx Variant Classification Process June 2021. Collection method: clinical testing. Allele origin: germline. Affected: yes.
Comment: Nonsense variant predicted to result in protein truncation or nonsense mediated decay in a gene for which loss of function is a known mechanism of disease; Not observed at significant frequency in large population cohorts (gnomAD); This variant is associated with the following publications: (PMID: 25525159, 8832720, 36460718)

Labcorp Genetics (formerly Invitae), Labcorp
Classification: Pathogenic. Last evaluated: 2020-05-20. Review status: criteria provided, single submitter. Criteria: Invitae Variant Classification Sherloc (09022015). Collection method: clinical testing. Allele origin: germline.
Comment: For these reasons, this variant has been classified as Pathogenic. Loss-of-function variants in CHM are known to be pathogenic (PMID: 9067750, 23811034). This variant has been observed in individual(s) with choroideremia (PMID: 8832720). It has also been observed to segregate with disease in related individuals. ClinVar contains an entry for this variant (Variation ID: 488681). This variant is not present in population databases (ExAC no frequency). This sequence change creates a premature translational stop signal (p.Cys406*) in the CHM gene. It is expected to result in an absent or disrupted protein product.

PreventionGenetics, part of Exact Sciences
Classification: Pathogenic for CHM-related condition. Last evaluated: 2024-09-12. Review status: no assertion criteria provided. Collection method: clinical testing. Allele origin: germline. Not counted in ClinVar's aggregate classification.
Comment: The CHM c.1218C>A variant is predicted to result in premature protein termination (p.Cys406*). This variant has been reported as segregating with disease in a large kindred with choroideremia (reported as LET family in Nesslinger et al. 1996. PubMed ID: 8832720). This variant has not been reported in a large population database, indicating this variant is rare. Nonsense variants in CHM are expected to be pathogenic. Given the evidence, we interpret c.1218C>A (p.Cys406*) as pathogenic.

GeneReviews
No classification provided. Condition: Choroideremia. Review status: no classification provided. Collection method: literature only. Allele origin: germline. Not counted in ClinVar's aggregate classification.

Literature cited by the submitters: PubMed 9067750 (cited by Labcorp Genetics (formerly Invitae), Labcorp); PubMed 23811034 (cited by Labcorp Genetics (formerly Invitae), Labcorp); PubMed 8832720 (cited by Labcorp Genetics (formerly Invitae), Labcorp and GeneReviews).

NM_000390.4(CHM):c.1218C>A (p.Cys406Ter)

Gene: CHM (CHM Rab escort protein; minus strand). Cytogenetic location: Xq21.2.
Variant type: single nucleotide variant.
Coding change: c.1218C>A on transcript NM_000390.4 (MANE Select); coding-DNA position 1218, C replaced by A.
Protein change: p.Cys406Ter; replaces cysteine 406 with a stop codon.
Molecular consequence: nonsense.
Genome position (GRCh38, 1-based): chrX:85,911,287, G>T on the plus strand (C>A on the coding strand, the complement: CHM is on the minus strand). VCF-style: chrX-85911287-G-T. GRCh37 (hg19) VCF-style: chrX-85166292-G-T.
Other names: c.774C>A, p.Cys258Ter (NM_001320959.1, NM_001362517.1, NM_001362518.2 and 1 more transcripts); c.1218C>A (NM_000390.3); short protein forms C406*, C258*.
Identifiers: ClinVar variation 488681 (VCV000488681.15), dbSNP rs1556277815, ClinGen allele CA413790282.